The following is an entry in ClinVar:

NM_000059.4(BRCA2):c.9106C>T (p.Gln3036Ter)

Gene: BRCA2 (BRCA2 DNA repair associated; plus strand). Cytogenetic location: 13q13.1.
Variant type: single nucleotide variant.
Coding change: c.9106C>T on transcript NM_000059.4 (MANE Select); coding-DNA position 9106, C replaced by T.
Protein change: p.Gln3036Ter; replaces glutamine 3036 with a stop codon.
Molecular consequence: nonsense.
Genome position (GRCh38, 1-based): chr13:32,379,902, C>T. VCF-style: chr13-32379902-C-T. GRCh37 (hg19) VCF-style: chr13-32954039-C-T.
Other names: 9334C>T; short protein forms Q3036*.
Identifiers: ClinVar variation 267139 (VCV000267139.14), dbSNP rs202155613, ClinGen allele CA10589547.
Genomic context (GRCh38, chr13:32,379,902, plus strand): 5'-TCTAAAAGTAAATCTGAAAGAGCTAACATACAGTTAGCAGCGACAAAAAAAACTCAGTAT[C>T]AACAACTACCGGTACAAACCTTTCATTGTAATTTTTCAGTTTTGATAAGTGCTTGTTAGT-3'

ClinVar aggregate classification (germline): Pathogenic. Review status: reviewed by expert panel (3 of 4 stars). 6 submissions from 6 submitters: Pathogenic (1). 5 of the submissions do not count toward it. Last evaluated 2016-10-18.

Conditions:
Breast-ovarian cancer, familial, susceptibility to, 2 (BROVCA2). Also called: BRCA2 Hereditary Breast and Ovarian Cancer. Identifiers: Orphanet 145, MedGen C2675520, MONDO:0012933, OMIM 612555. Disease mechanism: loss of function.
Hereditary breast ovarian cancer syndrome. Also called: BRCA1- and BRCA2-Associated Hereditary Breast and Ovarian Cancer; Hereditary breast and ovarian cancer; Breast and ovarian cancer; Hereditary breast and/or ovarian cancer syndrome; Hereditary breast and ovarian cancer syndrome; Hereditary breast and ovarian cancer syndrome (HBOC). Identifiers: Orphanet 145, MedGen C0677776, MeSH D061325, MONDO:0003582. Disease mechanism: loss of function.

Submissions (6):

Evidence-based Network for the Interpretation of Germline Mutant Alleles (ENIGMA)
Classification: Pathogenic for Breast-ovarian cancer, familial, susceptibility to, 2. Last evaluated: 2016-10-18. Review status: reviewed by expert panel. Criteria: ENIGMA BRCA1/2 Classification Criteria (2015). Collection method: curation. Allele origin: germline.
Comment: Variant allele predicted to encode a truncated non-functional protein.

Department of Clinical Genetics, Copenhagen University Hospital, Rigshospitalet
Classification: Pathogenic for Breast-ovarian cancer, familial, susceptibility to, 2. Last evaluated: 2024-05-27. Review status: criteria provided, single submitter. Criteria: ACMG Guidelines, 2015. Collection method: clinical testing. Allele origin: germline. Affected: yes. Not counted in ClinVar's aggregate classification.
Comment: PVS1; PM2_supporting; PM5_PTC_Strong

GeneDx
Classification: Pathogenic. Last evaluated: 2024-01-19. Review status: criteria provided, single submitter. Criteria: GeneDx Variant Classification Process June 2021. Collection method: clinical testing. Allele origin: germline. Affected: yes. Not counted in ClinVar's aggregate classification.
Comment: Not observed at significant frequency in large population cohorts (gnomAD); Truncating variants in this gene are considered pathogenic by a well-established clinical consortium and/or database; Nonsense variant predicted to result in protein truncation or nonsense mediated decay in a gene for which loss of function is a known mechanism of disease; Also known as 9334C>T; This variant is associated with the following publications: (PMID: 25859162, 26733283, 29446198, 26360800, 31723001)

Labcorp Genetics (formerly Invitae), Labcorp
Classification: Pathogenic for Hereditary breast ovarian cancer syndrome. Last evaluated: 2017-11-02. Review status: criteria provided, single submitter. Criteria: Invitae Variant Classification Sherloc (09022015). Collection method: clinical testing. Allele origin: germline. Not counted in ClinVar's aggregate classification.
Comment: For these reasons, this variant has been classified as Pathogenic. Loss-of-function variants in BRCA2 are known to be pathogenic (PMID: 20104584). ClinVar contains an entry for this variant (Variation ID: 267139). This variant is not present in population databases (ExAC no frequency). This sequence change creates a premature translational stop signal (p.Gln3036*) in the BRCA2 gene. It is expected to result in an absent or disrupted protein product.

Consortium of Investigators of Modifiers of BRCA1/2 (CIMBA), c/o University of Cambridge
Classification: Pathogenic for Breast-ovarian cancer, familial, susceptibility to, 2. Last evaluated: 2015-10-02. Review status: criteria provided, single submitter. Criteria: CIMBA Mutation Classification guidelines May 2016. Collection method: clinical testing. Allele origin: germline. Not counted in ClinVar's aggregate classification.

BRCAlab, Lund University
Classification: Pathogenic for Breast-ovarian cancer, familial, susceptibility to, 2. Last evaluated: 2020-03-02. Review status: no assertion criteria provided. Collection method: clinical testing. Allele origin: germline. Affected: yes. Not counted in ClinVar's aggregate classification.

Literature cited by the submitters: PubMed 20104584 (cited by Labcorp Genetics (formerly Invitae), Labcorp); PubMed 26360800 (cited by Labcorp Genetics (formerly Invitae), Labcorp).